The following is an entry in ClinVar:

NM_000216.4(ANOS1):c.709T>C (p.Trp237Arg)

Gene: ANOS1 (anosmin 1; minus strand). Cytogenetic location: Xp22.31.
Variant type: single nucleotide variant.
Coding change: c.709T>C on transcript NM_000216.4 (MANE Select); coding-DNA position 709, T replaced by C.
Protein change: p.Trp237Arg; replaces tryptophan 237 with arginine.
Molecular consequence: missense variant.
Genome position (GRCh38, 1-based): chrX:8,587,811, A>G on the plus strand (T>C on the coding strand, the complement: ANOS1 is on the minus strand). VCF-style: chrX-8587811-A-G. GRCh37 (hg19) VCF-style: chrX-8555852-A-G.
Other names: c.709T>C, p.Trp237Arg (NM_001440775.1); short protein forms W237R.
Identifiers: ClinVar variation 4684976 (VCV004684976.1).

ClinVar aggregate classification (germline): Likely pathogenic (1 of 4 stars; one submission).

Conditions:
Hypogonadotropic hypogonadism 1 with or without anosmia (HH1). Also called: Kallmann syndrome, type 1, X-linked; DYSPLASIA OLFACTOGENITALIS OF DE MORSIER; HYPOGONADOTROPIC HYPOGONADISM 1 WITH ANOSMIA; KAL1-Related GnRH Deficiency (Kallmann Syndrome 1; Kallmann Syndrome, X-Linked); Hypogonadotropic hypogonadism 1 with or without anosmia (Kallmann syndrome 1); HYPOGONADOTROPIC HYPOGONADISM AND ANOSMIA. Identifiers: Orphanet 478, MedGen C1563719, MONDO:0010635, OMIM 308700. Disease mechanism: loss of function.

Submission:

Institute of Human Genetics, Heidelberg University
Classification: Likely pathogenic for Hypogonadotropic hypogonadism 1 with or without anosmia. Last evaluated: 2026-01-07. Review status: criteria provided, single submitter. Criteria: ACMG Guidelines, 2015. Collection method: clinical testing. Allele origin: unknown. Affected: yes. Observed: 1 variant allele.
Comment: PM2_supp, PS1_strong, PP4_supp